The following is an entry in ClinVar:

ClinVar aggregate classification (germline): Uncertain significance (1 of 4 stars; one submission).

Conditions:
Hereditary cancer-predisposing syndrome. Also called: Neoplastic Syndromes, Hereditary; Tumor predisposition; Hereditary Cancer Syndrome; Hereditary neoplastic syndrome. Identifiers: Orphanet 140162, MedGen C0027672, MeSH D009386, MONDO:0015356.

Submission:

Ambry Genetics
Classification: Uncertain significance for Hereditary cancer-predisposing syndrome. Last evaluated: 2026-01-15. Review status: criteria provided, single submitter. Criteria: Ambry Variant Classification Scheme 2023. Collection method: clinical testing. Allele origin: germline.
Comment: The p.E1880D variant (also known as c.5640A>C), located in coding exon 15 of the APC gene, results from an A to C substitution at nucleotide position 5640. The glutamic acid at codon 1880 is replaced by aspartic acid, an amino acid with highly similar properties. This amino acid position is conserved. In addition, in silico predictors for this gene do not accurately predict pathogenicity. Based on the available evidence, the clinical significance of this variant remains unclear.

NM_000038.6(APC):c.5640A>C (p.Glu1880Asp)

Gene: APC (APC regulator of Wnt signaling pathway; plus strand). Cytogenetic location: 5q22.2.
Variant type: single nucleotide variant.
Coding change: c.5640A>C on transcript NM_000038.6 (MANE Select); coding-DNA position 5640, A replaced by C.
Protein change: p.Glu1880Asp; replaces glutamic acid 1880 with aspartic acid.
Molecular consequence: missense variant. On other transcripts: non-coding transcript variant (2).
Genome position (GRCh38, 1-based): chr5:112,841,234, A>C. VCF-style: chr5-112841234-A-C. GRCh37 (hg19) VCF-style: chr5-112176931-A-C.
Other names: c.5640A>C, p.Glu1880Asp (NM_001127510.3, NM_001354895.2, NM_001407450.1); c.5586A>C, p.Glu1862Asp (NM_001127511.3); c.5694A>C, p.Glu1898Asp (NM_001354896.2, NM_001407447.1, NM_001407448.1 and 1 more transcripts); c.5670A>C, p.Glu1890Asp (NM_001354897.2); c.5565A>C, p.Glu1855Asp (NM_001354898.2); c.5556A>C, p.Glu1852Asp (NM_001354899.2); c.5517A>C, p.Glu1839Asp (NM_001354900.2); c.5463A>C, p.Glu1821Asp (NM_001354901.2, NM_001407453.1); and 11 more; short protein forms E1852D, E1870D, E1496D, E1789D, E1890D, E1898D, E1597D, E1754D.
Identifiers: ClinVar variation 4825025 (VCV004825025.1).
Genomic context (GRCh38, chr5:112,841,234, plus strand): 5'-TTCTTTGAGTTCTCTAGATTTTGATGATGATGATGTTGACCTTTCCAGGGAAAAGGCTGA[A>C]TTAAGAAAGGCAAAAGAAAATAAGGAATCAGAGGCTAAAGTTACCAGCCACACAGAACTA-3'
Protein context (NP_000029.2, residues 1870-1890): DDVDLSREKA[Glu1880Asp]LRKAKENKES